The following is an entry in ClinVar:

NM_014822.4(SEC24D):c.1884C>T (p.His628=)

Gene: SEC24D (SEC24 homolog D, COPII component; minus strand). Cytogenetic location: 4q26.
Variant type: single nucleotide variant.
Coding change: c.1884C>T on transcript NM_014822.4 (MANE Select); coding-DNA position 1884, C replaced by T.
Protein change: p.His628=; no amino-acid change (histidine 628 retained).
Molecular consequence: synonymous variant.
Genome position (GRCh38, 1-based): chr4:118,744,099, G>A on the plus strand (C>T on the coding strand, the complement: SEC24D is on the minus strand). VCF-style: chr4-118744099-G-A. GRCh37 (hg19) VCF-style: chr4-119665254-G-A.
Other names: p.His628=; c.1887C>T, p.His629= (NM_001318066.2).
Identifiers: ClinVar variation 722239 (VCV000722239.12), dbSNP rs80266466, ClinGen allele CA3057120.

ClinVar aggregate classification (germline): Benign/Likely benign. Review status: criteria provided, multiple submitters, no conflicts (2 of 4 stars). 3 submissions from 3 submitters: Benign (2); Likely benign (1). Last evaluated 2026-01-15.

Allele frequency attached by ClinVar (database versions not stated): gnomAD exomes 0.00135; ExAC 0.00164; ESP Exome Variant Server 0.00523; gnomAD 0.00573 and 0.00605; TOPMed 0.00621; 1000 Genomes Project 0.00779; 1000 Genomes Project 30x 0.00953.
gnomAD v4.1: 1,727 of 1,613,314 alleles (0.11%); highest among the groups gnomAD compares: African/African-American, 1.7%; 13 homozygotes.

Submissions (3):

Labcorp Genetics (formerly Invitae), Labcorp
Classification: Benign. Last evaluated: 2026-01-15. Review status: criteria provided, single submitter. Criteria: Invitae Variant Classification Sherloc (09022015). Collection method: clinical testing. Allele origin: germline.

Mayo Clinic Laboratories, Mayo Clinic
Classification: Benign. Last evaluated: 2025-05-15. Review status: criteria provided, single submitter. Criteria: ACMG Guidelines, 2015. Collection method: clinical testing. Allele origin: germline. Observed: 1 variant allele.
Comment: BS1, BS2, BP4, BP7

GeneDx
Classification: Likely benign. Last evaluated: 2021-06-13. Review status: criteria provided, single submitter. Criteria: GeneDx Variant Classification Process June 2021. Collection method: clinical testing. Allele origin: germline. Affected: yes.